The following is an entry in ClinVar:

NM_007194.4(CHEK2):c.965C>T (p.Ala322Val)

Gene: CHEK2 (checkpoint kinase 2; minus strand). Cytogenetic location: 22q12.1.
Variant type: single nucleotide variant.
Coding change: c.965C>T on transcript NM_007194.4 (MANE Select); coding-DNA position 965, C replaced by T.
Protein change: p.Ala322Val; replaces alanine 322 with valine.
Molecular consequence: missense variant.
Genome position (GRCh38, 1-based): chr22:28,699,881, G>A on the plus strand (C>T on the coding strand, the complement: CHEK2 is on the minus strand). VCF-style: chr22-28699881-G-A. GRCh37 (hg19) VCF-style: chr22-29095869-G-A.
Other names: c.1094C>T, p.Ala365Val (NM_001005735.3); c.302C>T, p.Ala101Val (NM_001257387.3); c.764C>T, p.Ala255Val (NM_001349956.3); c.965C>T, p.Ala322Val (NM_145862.3); short protein forms A101V, A255V, A322V, A365V.
Identifiers: ClinVar variation 3226047 (VCV003226047.1), dbSNP rs2145843048, ClinGen allele CA411099749.

ClinVar aggregate classification (germline): Uncertain significance (1 of 4 stars; one submission).

Conditions:
Hereditary cancer-predisposing syndrome. Also called: Neoplastic Syndromes, Hereditary; Tumor predisposition; Hereditary neoplastic syndrome; Hereditary Cancer Syndrome. Identifiers: Orphanet 140162, MedGen C0027672, MeSH D009386, MONDO:0015356.

Submission:

Ambry Genetics
Classification: Uncertain significance for Hereditary cancer-predisposing syndrome. Last evaluated: 2023-09-18. Review status: criteria provided, single submitter. Criteria: Ambry Variant Classification Scheme 2023. Collection method: clinical testing. Allele origin: germline.
Comment: The p.A322V variant (also known as c.965C>T), located in coding exon 8 of the CHEK2 gene, results from a C to T substitution at nucleotide position 965. The alanine at codon 322 is replaced by valine, an amino acid with similar properties. This amino acid position is conserved. In addition, this alteration is predicted to be tolerated by in silico analysis. Since supporting evidence is limited at this time, the clinical significance of this alteration remains unclear.